The following is an entry in ClinVar:

ClinVar aggregate classification (germline): Uncertain significance. Review status: criteria provided, multiple submitters, no conflicts (2 of 4 stars). 2 submissions from 2 submitters: Uncertain significance (2). Last evaluated 2026-06-26.

Conditions:
Familial thoracic aortic aneurysm and aortic dissection (TAAD). Also called: Thoracic aortic aneurysms and dissections. Identifiers: Orphanet 91387, MedGen C4707243, MONDO:0019625.

Submissions (2):

Women's Health and Genetics/Laboratory Corporation of America, LabCorp
Classification: Uncertain significance. Last evaluated: 2026-06-26. Review status: criteria provided, single submitter. Criteria: LabCorp Variant Classification Summary - May 2015. Collection method: clinical testing. Allele origin: germline.
Comment: Variant summary: SKI c.1220C>T (p.Ser407Phe) results in a non-conservative amino acid change in the encoded protein sequence. Algorithms developed to predict the effect of missense changes on protein structure and function are either unavailable or do not agree on the potential impact of this missense change. The frequency data for this variant in gnomAD is considered unreliable, as metrics indicate poor data quality at this position. To our knowledge, no occurrence of c.1220C>T in individuals affected with SKI-related conditions and no experimental evidence demonstrating its impact on protein function have been reported. ClinVar contains an entry for this variant (Variation ID: 3223048). Based on the evidence outlined above, the variant was classified as uncertain significance.

Ambry Genetics
Classification: Uncertain significance for Familial thoracic aortic aneurysm and aortic dissection. Last evaluated: 2024-02-09. Review status: criteria provided, single submitter. Criteria: Ambry Variant Classification Scheme 2023. Collection method: clinical testing. Allele origin: germline.
Comment: The p.S407F variant (also known as c.1220C>T), located in coding exon 4 of the SKI gene, results from a C to T substitution at nucleotide position 1220. The serine at codon 407 is replaced by phenylalanine, an amino acid with highly dissimilar properties. This amino acid position is conserved. In addition, the in silico prediction for this alteration is inconclusive. Based on the available evidence, the clinical significance of this alteration remains unclear.

NM_003036.4(SKI):c.1220C>T (p.Ser407Phe)

Gene: SKI (SKI proto-oncogene; plus strand). Cytogenetic location: 1p36.32.
Variant type: single nucleotide variant.
Coding change: c.1220C>T on transcript NM_003036.4 (MANE Select); coding-DNA position 1220, C replaced by T.
Protein change: p.Ser407Phe; replaces serine 407 with phenylalanine.
Molecular consequence: missense variant.
Genome position (GRCh38, 1-based): chr1:2,303,848, C>T. VCF-style: chr1-2303848-C-T. GRCh37 (hg19) VCF-style: chr1-2235287-C-T.
Other names: short protein forms S407F.
Identifiers: ClinVar variation 3223048 (VCV003223048.2), dbSNP rs1640489820, ClinGen allele CA337954766.